The following is an entry in ClinVar:

NM_000384.3(APOB):c.8810C>T (p.Ser2937Leu)

Gene: APOB (apolipoprotein B; minus strand). Cytogenetic location: 2p24.1.
Variant type: single nucleotide variant.
Coding change: c.8810C>T on transcript NM_000384.3 (MANE Select); coding-DNA position 8810, C replaced by T.
Protein change: p.Ser2937Leu; replaces serine 2937 with leucine.
Molecular consequence: missense variant.
Genome position (GRCh38, 1-based): chr2:21,008,058, G>A on the plus strand (C>T on the coding strand, the complement: APOB is on the minus strand). VCF-style: chr2-21008058-G-A. GRCh37 (hg19) VCF-style: chr2-21230930-G-A.
Other names: short protein forms S2937L.
Identifiers: ClinVar variation 3932676 (VCV003932676.1).

ClinVar aggregate classification (germline): Uncertain significance (1 of 4 stars; one submission).

Conditions:
Cardiovascular phenotype. Identifiers: MedGen CN230736.

gnomAD v4.1: 1 of 1,614,108 alleles (0.000062%); highest among the groups gnomAD compares: South Asian, 0.0011%; no homozygotes.

Submission:

Ambry Genetics
Classification: Uncertain significance for Cardiovascular phenotype. Last evaluated: 2025-03-31. Review status: criteria provided, single submitter. Criteria: Ambry Variant Classification Scheme 2023. Collection method: clinical testing. Allele origin: germline.
Comment: The p.S2937L variant (also known as c.8810C>T), located in coding exon 26 of the APOB gene, results from a C to T substitution at nucleotide position 8810. The serine at codon 2937 is replaced by leucine, an amino acid with dissimilar properties. This amino acid position is conserved. In addition, this alteration is predicted to be tolerated by in silico analysis. Based on the available evidence, the clinical significance of this variant remains unclear.